The following is an entry in ClinVar:

ClinVar aggregate classification (germline): Likely pathogenic (1 of 4 stars; one submission).

Conditions:
Niemann-Pick disease, type C2 (NPC2). Identifiers: Orphanet 646, MedGen C1843366, MONDO:0011873, OMIM 607625.

Submission:

Myriad Genetics, Inc.
Classification: Likely pathogenic for Niemann-Pick disease, type C2. Last evaluated: 2019-06-03. Review status: criteria provided, single submitter. Criteria: Myriad Women's Health Autosomal Recessive and X-Linked Classification Criteria (2019). Collection method: clinical testing. Allele origin: unknown.
Comment: NM_006432.3(NPC2):c.142C>T(Q48*) is expected to be pathogenic in the context of Niemann-Pick disease type C2. This variant is predicted to lead to an abnormal or absent protein product due to the creation of a premature termination codon in NPC2, a gene where loss-of-function variants are known to be pathogenic. Please note: this variant was assessed in the context of healthy population screening.

NM_006432.5(NPC2):c.142C>T (p.Gln48Ter)

Gene: NPC2 (NPC intracellular cholesterol transporter 2; minus strand). Cytogenetic location: 14q24.3.
Variant type: single nucleotide variant.
Coding change: c.142C>T on transcript NM_006432.5 (MANE Select); coding-DNA position 142, C replaced by T.
Protein change: p.Gln48Ter; replaces glutamine 48 with a stop codon.
Molecular consequence: nonsense.
Genome position (GRCh38, 1-based): chr14:74,486,377, G>A on the plus strand (C>T on the coding strand, the complement: NPC2 is on the minus strand). VCF-style: chr14-74486377-G-A. GRCh37 (hg19) VCF-style: chr14-74953080-G-A.
Other names: c.142C>T, p.Gln48Ter (NM_001363688.1, NM_001375440.1); short protein forms Q48*.
Identifiers: ClinVar variation 983848 (VCV000983848.3), dbSNP rs2086712538, ClinGen allele CA390532732.